The following is an entry in ClinVar:

ClinVar aggregate classification (germline): Uncertain significance (3 of 4 stars; one submission).

Conditions:
Hereditary antithrombin deficiency (AT3D). Also called: Antithrombin III deficiency; Thrombophilia due to antithrombin III deficiency; Reduced antithrombin III activity; Antithrombin deficiency. Identifiers: Orphanet 82, MedGen C0272375, MONDO:0013144, OMIM 613118, HP:0001976.

Allele frequency attached by ClinVar (database versions not stated): gnomAD exomes below 0.00001.
gnomAD v4.1: 1 of 1,613,732 alleles (0.000062%); no homozygotes.

Submission:

Clingen Thrombosis Variant Curation Expert Panel, ClinGen
Classification: Uncertain significance for Hereditary antithrombin deficiency. Last evaluated: 2024-01-25. Review status: reviewed by expert panel. Criteria: ClinGen ACMG Specifications SERPINC1 V1.0.0. Collection method: curation. Allele origin: germline. Inheritance: Autosomal dominant inheritance.
Comment: The c.1152A>G (NM_000488.3) variant in SERPINC1 is a synonymous variant that is not predicted to cause a substitution (p.Pro384=). The variant is absent from gnomAD v2.1.1 and v3.1 with good coverage across both genomes and exomes, meeting criteria for PM2_supporting. The results from 2 in silico predictors, Splice AI (donor loss and acceptor gain) and VarSEAK (Class 5 splicing effect), provide evidence that correlates with a splicing impact to SERPINC1 function meeting criteria for PP3. This variant has been reported in 4 individuals with reported antithrombin activity level of < 0.8 IU/mL meeting PP4 and PS4_Moderate criteria (PMID 30975910, 28300866; Internal Thrombosis VCEP data). In summary, based on the evidence available at this time, the clinical significance of this variant is uncertain. ACMG/AMP criteria applied, as specified by the Thrombosis Variant Curation Expert Panel for SERPINC1: PP3, PP4, PM2_Supporting, PS4_ Moderate.

NM_000488.4(SERPINC1):c.1152A>G (p.Pro384=)

Gene: SERPINC1 (serpin family C member 1; minus strand). Cytogenetic location: 1q25.1.
Variant type: single nucleotide variant.
Coding change: c.1152A>G on transcript NM_000488.4 (MANE Select); coding-DNA position 1152, A replaced by G.
Protein change: p.Pro384=; no amino-acid change (proline 384 retained).
Molecular consequence: synonymous variant.
Genome position (GRCh38, 1-based): chr1:173,909,553, T>C on the plus strand (A>G on the coding strand, the complement: SERPINC1 is on the minus strand). VCF-style: chr1-173909553-T-C. GRCh37 (hg19) VCF-style: chr1-173878691-T-C.
Other names: NM_001386306.1:c.936A>G; c.1008A>G, p.Pro336= (NM_001365052.2); c.1275A>G, p.Pro425= (NM_001386302.1); c.1233A>G, p.Pro411= (NM_001386303.1); c.1131A>G, p.Pro377= (NM_001386304.1); c.1095A>G, p.Pro365= (NM_001386305.1); c.936A>G, p.Pro312= (NM_001386306.1).
Identifiers: ClinVar variation 3242378 (VCV003242378.1), dbSNP rs2526569034.
Genomic context (GRCh38, chr1:173,909,553, plus strand): 5'-CACTTTTGGTCAGACTACCTTGCGGGTGGAGAAGGGAGGAAACTCCTTCCTAGACAAACC[T>C]GGGAGTTTGGACTTTTCAGGGCTGAACAGATCGACAAGGCCCATGTCTTGCAGCTGCTCC-3'
Protein context (NP_000479.1, residues 374-394): DLFSPEKSKL[Pro384=]GIVAEGRDDL